The following is an entry in ClinVar:

NM_000090.4(COL3A1):c.799-56T>A

Gene: COL3A1 (collagen type III alpha 1 chain; plus strand). Cytogenetic location: 2q32.2.
Variant type: single nucleotide variant.
Coding change: c.799-56T>A on transcript NM_000090.4 (MANE Select); 56 bases into the intron before coding-DNA position 799, T replaced by A.
Molecular consequence: intron variant.
Genome position (GRCh38, 1-based): chr2:188,990,948, T>A. VCF-style: chr2-188990948-T-A. GRCh37 (hg19) VCF-style: chr2-189855674-T-A.
Identifiers: ClinVar variation 670961 (VCV000670961.2), dbSNP rs2203601, ClinGen allele CA11280421.

ClinVar aggregate classification (germline): Benign. Review status: criteria provided, multiple submitters, no conflicts (2 of 4 stars). 2 submissions from 2 submitters: Benign (2). Last evaluated 2018-06-16.

Allele frequency attached by ClinVar (database versions not stated): ESP Exome Variant Server 0.31989; TOPMed 0.33703; gnomAD 0.34658 and 0.35509; 1000 Genomes Project 30x 0.36508; 1000 Genomes Project 0.37021; gnomAD exomes 0.43865.
gnomAD v4.1: 657,782 of 1,531,756 alleles (43%); highest among the groups gnomAD compares: East Asian, 58%; 148,498 homozygotes.

Submissions (2):

GeneDx
Classification: Benign. Last evaluated: 2018-06-16. Review status: criteria provided, single submitter. Criteria: GeneDx Variant Classification (06012015). Collection method: clinical testing. Allele origin: germline. Affected: yes.
Comment: This variant is considered likely benign or benign based on one or more of the following criteria: it is a conservative change, it occurs at a poorly conserved position in the protein, it is predicted to be benign by multiple in silico algorithms, and/or has population frequency not consistent with disease.

Breakthrough Genomics
Classification: Benign. Review status: criteria provided, single submitter. Criteria: ACMG Guidelines, 2015. Collection method: not provided. Allele origin: germline. Inheritance: Autosomal recessive inheritance. Affected: yes.